The following is an entry in ClinVar:

NM_024854.5(PYROXD1):c.391A>G (p.Ile131Val)

Gene: PYROXD1 (pyridine nucleotide-disulphide oxidoreductase domain 1; plus strand). Cytogenetic location: 12p12.1.
Variant type: single nucleotide variant.
Coding change: c.391A>G on transcript NM_024854.5 (MANE Select); coding-DNA position 391, A replaced by G.
Protein change: p.Ile131Val; replaces isoleucine 131 with valine.
Molecular consequence: missense variant. On other transcripts: 5 prime UTR variant (1).
Genome position (GRCh38, 1-based): chr12:21,449,668, A>G. VCF-style: chr12-21449668-A-G. GRCh37 (hg19) VCF-style: chr12-21602602-A-G.
Other names: c.178A>G, p.Ile60Val (NM_001350912.2); c.-313A>G (NM_001350913.2); c.391A>G (NM_024854.3); short protein forms I131V, I60V.
Identifiers: ClinVar variation 1930530 (VCV001930530.3), dbSNP rs755911198, ClinGen allele CA6478190.

ClinVar aggregate classification (germline): Uncertain significance. Review status: criteria provided, multiple submitters, no conflicts (2 of 4 stars). 2 submissions from 2 submitters: Uncertain significance (2). Last evaluated 2024-09-11.

Conditions:
Inborn genetic diseases. Identifiers: MedGen C0950123, MeSH D030342.

Allele frequency attached by ClinVar (database versions not stated): TOPMed below 0.00001; gnomAD 0.00002; ExAC 0.00003; gnomAD exomes 0.00003.

Submissions (2):

Ambry Genetics
Classification: Uncertain significance for Inborn genetic diseases. Last evaluated: 2024-09-11. Review status: criteria provided, single submitter. Criteria: Ambry Variant Classification Scheme 2023. Collection method: clinical testing. Allele origin: germline.

Labcorp Genetics (formerly Invitae), Labcorp
Classification: Uncertain significance. Last evaluated: 2022-07-01. Review status: criteria provided, single submitter. Criteria: Invitae Variant Classification Sherloc (09022015). Collection method: clinical testing. Allele origin: germline.
Comment: This sequence change replaces isoleucine, which is neutral and non-polar, with valine, which is neutral and non-polar, at codon 131 of the PYROXD1 protein (p.Ile131Val). This variant is present in population databases (rs755911198, gnomAD 0.04%). This variant has not been reported in the literature in individuals affected with PYROXD1-related conditions. Algorithms developed to predict the effect of missense changes on protein structure and function are either unavailable or do not agree on the potential impact of this missense change (SIFT: "Tolerated"; PolyPhen-2: "Possibly Damaging"; Align-GVGD: "Class C15"). In summary, the available evidence is currently insufficient to determine the role of this variant in disease. Therefore, it has been classified as a Variant of Uncertain Significance.